The following is an entry in ClinVar:

ClinVar aggregate classification (germline): Uncertain significance (1 of 4 stars; one submission).

Allele frequency attached by ClinVar (database versions not stated): gnomAD 0.00001.
gnomAD v4.1: 7 of 1,613,998 alleles (0.00043%); highest among the groups gnomAD compares: African/African-American, 0.0013%; no homozygotes.

Submission:

Women's Health and Genetics/Laboratory Corporation of America, LabCorp
Classification: Uncertain significance. Last evaluated: 2024-01-29. Review status: criteria provided, single submitter. Criteria: LabCorp Variant Classification Summary - May 2015. Collection method: clinical testing. Allele origin: germline.
Comment: Variant summary: SETX c.6691G>T (p.Ala2231Ser) results in a conservative amino acid change located in the NA2/NAM7 helicase-like, C-terminal domain (IPR041677) of the encoded protein sequence. Three of five in-silico tools predict a damaging effect of the variant on protein function. The variant was absent in 251424 control chromosomes. The available data on variant occurrences in the general population are insufficient to allow any conclusion about variant significance. To our knowledge, no occurrence of c.6691G>T in individuals affected with Amyotrophic Lateral Sclerosis Type 4 and no experimental evidence demonstrating its impact on protein function have been reported. No submitters have cited clinical-significance assessments for this variant to ClinVar. Based on the evidence outlined above, the variant was classified as uncertain significance.

NM_015046.7(SETX):c.6691G>T (p.Ala2231Ser)

Gene: SETX (senataxin; minus strand). Cytogenetic location: 9q34.13.
Variant type: single nucleotide variant.
Coding change: c.6691G>T on transcript NM_015046.7 (MANE Select); coding-DNA position 6691, G replaced by T.
Protein change: p.Ala2231Ser; replaces alanine 2231 with serine.
Molecular consequence: missense variant.
Genome position (GRCh38, 1-based): chr9:132,278,221, C>A on the plus strand (G>T on the coding strand, the complement: SETX is on the minus strand). VCF-style: chr9-132278221-C-A. GRCh37 (hg19) VCF-style: chr9-135153608-C-A.
Other names: c.6691G>T, p.Ala2231Ser (NM_001351527.2, NM_001351528.2); short protein forms A2231S.
Identifiers: ClinVar variation 3063698 (VCV003063698.1), dbSNP rs1843281910, ClinGen allele CA375331578.